The following is an entry in ClinVar:

ClinVar aggregate classification (germline): Uncertain significance (1 of 4 stars; one submission).

Conditions:
Brugada syndrome. Also called: Sudden unexpected nocturnal death syndrome; Sudden Unexplained Death Syndrome; Sudden Unexplained Nocturnal Death Syndrome (SUNDS); Sudden unexplained nocturnal death syndrome. Identifiers: Orphanet 130, MedGen C1142166, MONDO:0015263.

Allele frequency attached by ClinVar (database versions not stated): gnomAD exomes below 0.00001; ExAC 0.00001.
gnomAD v4.1: 2 of 1,614,026 alleles (0.00012%); highest among the groups gnomAD compares: Non-Finnish European, 0.00017%; no homozygotes.

Submission:

Labcorp Genetics (formerly Invitae), Labcorp
Classification: Uncertain significance for Brugada syndrome. Last evaluated: 2020-12-03. Review status: criteria provided, single submitter. Criteria: Invitae Variant Classification Sherloc (09022015). Collection method: clinical testing. Allele origin: germline.
Comment: In summary, the available evidence is currently insufficient to determine the role of this variant in disease. Therefore, it has been classified as a Variant of Uncertain Significance. This variant has not been reported in the literature in individuals with GPD1L-related conditions. This variant is present in population databases (rs765805642, ExAC 0.001%). This sequence change creates a premature translational stop signal (p.Ser79*) in the GPD1L gene. It is expected to result in an absent or disrupted protein product. However, the current clinical and genetic evidence is not sufficient to establish whether loss-of-function variants in GPD1L cause disease.

NM_015141.4(GPD1L):c.236C>G (p.Ser79Ter)

Gene: GPD1L (glycerol-3-phosphate dehydrogenase 1 like; plus strand). Cytogenetic location: 3p22.3.
Variant type: single nucleotide variant.
Coding change: c.236C>G on transcript NM_015141.4 (MANE Select); coding-DNA position 236, C replaced by G.
Protein change: p.Ser79Ter; replaces serine 79 with a stop codon.
Molecular consequence: nonsense.
Genome position (GRCh38, 1-based): chr3:32,138,597, C>G. VCF-style: chr3-32138597-C-G. GRCh37 (hg19) VCF-style: chr3-32180089-C-G.
Other names: short protein forms S79*.
Identifiers: ClinVar variation 1435643 (VCV001435643.6), dbSNP rs765805642, ClinGen allele CA2296589.